The following is an entry in ClinVar:

NM_177438.3(DICER1):c.4257G>T (p.Glu1419Asp)

Gene: DICER1 (dicer 1, ribonuclease III; minus strand). Cytogenetic location: 14q32.13.
Variant type: single nucleotide variant.
Coding change: c.4257G>T on transcript NM_177438.3 (MANE Select); coding-DNA position 4257, G replaced by T.
Protein change: p.Glu1419Asp; replaces glutamic acid 1419 with aspartic acid.
Molecular consequence: missense variant. On other transcripts: non-coding transcript variant (6).
Genome position (GRCh38, 1-based): chr14:95,096,663, C>A on the plus strand (G>T on the coding strand, the complement: DICER1 is on the minus strand). VCF-style: chr14-95096663-C-A. GRCh37 (hg19) VCF-style: chr14-95563000-C-A.
Other names: c.4257G>T, p.Glu1419Asp (NM_001195573.1, NM_001271282.3, NM_001291628.2 and 13 more transcripts); c.3975G>T, p.Glu1325Asp (NM_001395686.1); c.3852G>T, p.Glu1284Asp (NM_001395687.1, NM_001395688.1, NM_001395689.1 and 2 more transcripts); c.3690G>T, p.Glu1230Asp (NM_001395691.1); c.2574G>T, p.Glu858Asp (NM_001395697.1); short protein forms E1230D, E1284D, E1325D, E1419D, E858D.
Identifiers: ClinVar variation 3229403 (VCV003229403.1), dbSNP rs1486741089, ClinGen allele CA390869672.
Genomic context (GRCh38, chr14:95,096,663, plus strand): 5'-TTCATAGTCAGCCTCTTCCTTCGGAGCCCTCCACATCAGGCTCTCCTCCTCCTCATCCTC[C>A]TCCTCGTAATCCTCATCCAGTTTGCCATTCGCCAGCATGCAGTCTTTTGTCTGAAACGAG-3'
Protein context (NP_803187.1, residues 1409-1429): ANGKLDEDYE[Glu1419Asp]EDEEEESLMW

ClinVar aggregate classification (germline): Uncertain significance (1 of 4 stars; one submission).

Conditions:
Hereditary cancer-predisposing syndrome. Also called: Neoplastic Syndromes, Hereditary; Tumor predisposition; Hereditary neoplastic syndrome; Hereditary Cancer Syndrome. Identifiers: Orphanet 140162, MedGen C0027672, MeSH D009386, MONDO:0015356.

Allele frequency attached by ClinVar (database versions not stated): gnomAD exomes below 0.00001.
gnomAD v4.1: 3 of 1,612,920 alleles (0.00019%); highest among the groups gnomAD compares: South Asian, 0.0033%; no homozygotes.

Submission:

Ambry Genetics
Classification: Uncertain significance for Hereditary cancer-predisposing syndrome. Last evaluated: 2023-10-21. Review status: criteria provided, single submitter. Criteria: Ambry Variant Classification Scheme 2023. Collection method: clinical testing. Allele origin: germline.
Comment: The p.E1419D variant (also known as c.4257G>T), located in coding exon 22 of the DICER1 gene, results from a G to T substitution at nucleotide position 4257. The glutamic acid at codon 1419 is replaced by aspartic acid, an amino acid with highly similar properties. This amino acid position is conserved. In addition, this alteration is predicted to be tolerated by in silico analysis. Since supporting evidence is limited at this time, the clinical significance of this alteration remains unclear.